The following is an entry in ClinVar:

ClinVar aggregate classification (germline): Pathogenic. Review status: criteria provided, multiple submitters, no conflicts (2 of 4 stars). 3 submissions from 3 submitters: Pathogenic (2). 1 of the submissions does not count toward it. Last evaluated 2025-01-23.

Conditions:
Congenital sideroblastic anemia-B-cell immunodeficiency-periodic fever-developmental delay syndrome. Also called: Sideroblastic anemia with B-cell immunodeficiency, periodic fevers, and developmental delay. Identifiers: Orphanet 369861, MedGen C4015172, MONDO:0014487, OMIM 616084.

Allele frequency attached by ClinVar (database versions not stated): gnomAD exomes below 0.00001 and 0.00001.

Submissions (3):

GeneDx
Classification: Pathogenic. Last evaluated: 2025-01-23. Review status: criteria provided, single submitter. Criteria: GeneDx Variant Classification Process June 2021. Collection method: clinical testing. Allele origin: germline. Affected: yes.
Comment: Published functional studies demonstrate lower stability and decreased enzyme function (PMID: 29454993); Not observed at significant frequency in large population cohorts (gnomAD); In silico analysis supports that this missense variant has a deleterious effect on protein structure/function; This variant is associated with the following publications: (PMID: 27317422, 25193871, 27370603, 33225392, 33815380, 29454993)

Labcorp Genetics (formerly Invitae), Labcorp
Classification: Pathogenic for Congenital sideroblastic anemia-B-cell immunodeficiency-periodic fever-developmental delay syndrome. Last evaluated: 2024-02-29. Review status: criteria provided, single submitter. Criteria: Invitae Variant Classification Sherloc (09022015). Collection method: clinical testing. Allele origin: germline.
Comment: This sequence change replaces arginine, which is basic and polar, with isoleucine, which is neutral and non-polar, at codon 190 of the TRNT1 protein (p.Arg190Ile). The frequency data for this variant in the population databases is considered unreliable, as metrics indicate poor data quality at this position in the gnomAD database. This missense change has been observed in individual(s) with sideroblastic anemia with B-cell immunodeficiency, periodic fevers, and developmental delay (PMID: 25193871, 27317422, 27370603). ClinVar contains an entry for this variant (Variation ID: 157613). Advanced modeling of protein sequence and biophysical properties (such as structural, functional, and spatial information, amino acid conservation, physicochemical variation, residue mobility, and thermodynamic stability) performed at Invitae indicates that this missense variant is expected to disrupt TRNT1 protein function with a positive predictive value of 80%. Experimental studies have shown that this missense change affects TRNT1 function (PMID: 25193871, 29454993). For these reasons, this variant has been classified as Pathogenic.

OMIM
Classification: Pathogenic for SIDEROBLASTIC ANEMIA WITH B-CELL IMMUNODEFICIENCY, PERIODIC FEVERS, AND DEVELOPMENTAL DELAY. Last evaluated: 2014-10-30. Review status: no assertion criteria provided. Collection method: literature only. Allele origin: germline. Not counted in ClinVar's aggregate classification.

Literature cited by the submitters: PubMed 25193871 (cited by Labcorp Genetics (formerly Invitae), Labcorp and OMIM); PubMed 27317422 (cited by Labcorp Genetics (formerly Invitae), Labcorp); PubMed 27370603 (cited by Labcorp Genetics (formerly Invitae), Labcorp); PubMed 29454993 (cited by Labcorp Genetics (formerly Invitae), Labcorp).

NM_182916.3(TRNT1):c.569G>T (p.Arg190Ile)

Gene: TRNT1 (tRNA nucleotidyl transferase 1; plus strand). Cytogenetic location: 3p26.2.
Variant type: single nucleotide variant.
Coding change: c.569G>T on transcript NM_182916.3 (MANE Select); coding-DNA position 569, G replaced by T.
Protein change: p.Arg190Ile; replaces arginine 190 with isoleucine.
Molecular consequence: missense variant. On other transcripts: non-coding transcript variant (8).
Genome position (GRCh38, 1-based): chr3:3,144,671, G>T. VCF-style: chr3-3144671-G-T. GRCh37 (hg19) VCF-style: chr3-3186355-G-T.
Other names: c.569G>T, p.Arg190Ile (LRG_1314t1, NM_001302946.2, NM_001367321.1 and 2 more transcripts); c.569G>T (NM_182916.2); short protein forms R190I.
Identifiers: ClinVar variation 157613 (VCV000157613.4), dbSNP rs606231287, ClinGen allele CA249568.